The following is an entry in ClinVar:

NM_005120.3(MED12):c.4123A>G (p.Met1375Val)

Gene: MED12 (mediator complex subunit 12; plus strand). Cytogenetic location: Xq13.1.
Variant type: single nucleotide variant.
Coding change: c.4123A>G on transcript NM_005120.3 (MANE Select); coding-DNA position 4123, A replaced by G.
Protein change: p.Met1375Val; replaces methionine 1375 with valine.
Molecular consequence: missense variant.
Genome position (GRCh38, 1-based): chrX:71,132,076, A>G. VCF-style: chrX-71132076-A-G. GRCh37 (hg19) VCF-style: chrX-70351926-A-G.
Other names: short protein forms M1375V.
Identifiers: ClinVar variation 2124891 (VCV002124891.5), dbSNP rs2519699221, ClinGen allele CA413525392.

ClinVar aggregate classification (germline): Uncertain significance (1 of 4 stars; one submission).

Conditions:
FG syndrome (FGS). Identifiers: MedGen C0220769, MONDO:0002010.

Submissions (3):

Labcorp Genetics (formerly Invitae), Labcorp
Classification: Uncertain significance for FG syndrome. Last evaluated: 2022-04-11. Review status: criteria provided, single submitter. Criteria: Invitae Variant Classification Sherloc (09022015). Collection method: clinical testing. Allele origin: germline.
Comment: In summary, the available evidence is currently insufficient to determine the role of this variant in disease. Therefore, it has been classified as a Variant of Uncertain Significance. Algorithms developed to predict the effect of missense changes on protein structure and function are either unavailable or do not agree on the potential impact of this missense change (SIFT: "Deleterious"; PolyPhen-2: "Benign"; Align-GVGD: "Class C0"). This variant has not been reported in the literature in individuals affected with MED12-related conditions. This variant is not present in population databases (gnomAD no frequency). This sequence change replaces methionine, which is neutral and non-polar, with valine, which is neutral and non-polar, at codon 1375 of the MED12 protein (p.Met1375Val).

Dr. Peter K. Rogan Lab, Western University
No classification provided (evidence only). Condition: Nonpapillary renal cell carcinoma. Review status: no classification provided. Collection method: in vitro. Allele origin: not applicable. Functional consequence: retained intron. Not counted in ClinVar's aggregate classification.

Dr. Peter K. Rogan Lab, Western University
No classification provided (evidence only). Condition: Nonpapillary renal cell carcinoma. Review status: no classification provided. Collection method: in vitro. Allele origin: not applicable. Functional consequence: retained intron. Not counted in ClinVar's aggregate classification.